The following is an entry in ClinVar:

ClinVar aggregate classification (germline): Likely benign (1 of 4 stars; one submission).

Conditions:
GNAS-related disorder. Identifiers: MedGen CN380105.

gnomAD v4.1: 8 of 1,558,932 alleles (0.00051%); highest among the groups gnomAD compares: African/African-American, 0.0027%; no homozygotes.

Submission:

PreventionGenetics, part of Exact Sciences
Classification: Likely benign for GNAS-related condition. Last evaluated: 2025-02-19. Review status: criteria provided, single submitter. Criteria: ACMG Guidelines, 2015. Collection method: clinical testing. Allele origin: germline.
Comment: This variant is classified as likely benign based on ACMG/AMP sequence variant interpretation guidelines (Richards et al. 2015 PMID: 25741868, with internal and published modifications).

NM_080425.4(GNAS):c.117C>T (p.Pro39=)

Gene: GNAS (GNAS complex locus; plus strand). Cytogenetic location: 20q13.32.
Variant type: single nucleotide variant.
Coding change: c.117C>T on transcript NM_080425.4 (MANE Plus Clinical); coding-DNA position 117, C replaced by T.
Protein change: p.Pro39=; no amino-acid change (proline 39 retained).
Molecular consequence: synonymous variant. On other transcripts: 5 prime UTR variant (2), intron variant (3).
Genome position (GRCh38, 1-based): chr20:58,853,382, C>T. VCF-style: chr20-58853382-C-T. GRCh37 (hg19) VCF-style: chr20-57428437-C-T.
Other names: c.-71C>T (NM_001077490.3, NM_001309883.1); c.117C>T, p.Pro39= (NM_001410913.1); c.*42+12496C>T (NM_016592.5); c.43+12496C>T (NM_001410912.1); c.-39+11507C>T (NM_001309861.2).
Identifiers: ClinVar variation 4980364 (VCV004980364.1).